The following is an entry in ClinVar:

ClinVar aggregate classification (germline): Uncertain significance (1 of 4 stars; one submission).

Submission:

Dasa
Classification: Uncertain significance. Last evaluated: 2026-04-15. Review status: criteria provided, single submitter. Criteria: DASA Assertion Criteria. Collection method: clinical testing. Allele origin: germline.
Comment: NM_212482.4(FN1):c.3281A>T (p.Tyr1094Phe) is a missense variant that results in the substitution of tyrosine with phenylalanine. This variant is rare in population databases. Computational prediction algorithms are consistent with a benign effect. The currently available literature and clinical evidence are not sufficient to establish a definitive association between this variant and the reported condition. Therefore, this variant is classified as a variant of uncertain significance.

NM_212482.4(FN1):c.3281A>T (p.Tyr1094Phe)

Gene: FN1 (fibronectin 1; minus strand). Cytogenetic location: 2q35.
Variant type: single nucleotide variant.
Coding change: c.3281A>T on transcript NM_212482.4 (MANE Select); coding-DNA position 3281, A replaced by T.
Protein change: p.Tyr1094Phe; replaces tyrosine 1094 with phenylalanine.
Molecular consequence: missense variant.
Genome position (GRCh38, 1-based): chr2:215,399,324, T>A on the plus strand (A>T on the coding strand, the complement: FN1 is on the minus strand). VCF-style: chr2-215399324-T-A. GRCh37 (hg19) VCF-style: chr2-216264047-T-A.
Other names: c.3281A>T, p.Tyr1094Phe (NM_001306132.2, NM_001365517.2, NM_001365518.2 and 13 more transcripts); short protein forms Y1094F.
Identifiers: ClinVar variation 4881890 (VCV004881890.2).